The following is an entry in ClinVar:

NM_001244008.2(KIF1A):c.1049G>A (p.Arg350Gln)

Gene: KIF1A (kinesin family member 1A; minus strand). Cytogenetic location: 2q37.3.
Variant type: single nucleotide variant.
Coding change: c.1049G>A on transcript NM_001244008.2 (MANE Select); coding-DNA position 1049, G replaced by A.
Protein change: p.Arg350Gln; replaces arginine 350 with glutamine.
Molecular consequence: missense variant.
Genome position (GRCh38, 1-based): chr2:240,773,245, C>T on the plus strand (G>A on the coding strand, the complement: KIF1A is on the minus strand). VCF-style: chr2-240773245-C-T. GRCh37 (hg19) VCF-style: chr2-241712662-C-T.
Other names: c.1049G>A, p.Arg350Gln (NM_001320705.2, NM_001330289.2, NM_001330290.2 and 21 more transcripts); short protein forms R350Q.
Identifiers: ClinVar variation 2574479 (VCV002574479.5), dbSNP rs1250253395, ClinGen allele CA351296351.

ClinVar aggregate classification (germline): Conflicting classifications of pathogenicity. Review status: criteria provided, conflicting classifications (1 of 4 stars). 2 submissions from 2 submitters: Likely pathogenic (1); Uncertain significance (1). Last evaluated 2025-06-02.

Conditions:
Hereditary spastic paraplegia 30. Identifiers: Orphanet 101010, MedGen C5235139, MONDO:0012476.
Neuropathy, hereditary sensory, type 2C. Also called: KIF1A-Related HSAN2 (HSAN2C); Hereditary sensory and autonomic neuropathy type IIC. Identifiers: Orphanet 970, MedGen C3280168, MONDO:0013634, OMIM 614213.
Intellectual disability, autosomal dominant 9 (NESCAVS). Also called: NESCAV SYNDROME; KIF1A-Related Neurodevelopmental Disorder. Identifiers: Orphanet 662367, MedGen C5393830, MONDO:0013656, OMIM 614255.

Allele frequency attached by ClinVar (database versions not stated): gnomAD exomes below 0.00001; TOPMed below 0.00001.

Submissions (2):

GeneDx
Classification: Uncertain significance. Last evaluated: 2025-06-02. Review status: criteria provided, single submitter. Criteria: GeneDx Variant Classification Process June 2021. Collection method: clinical testing. Allele origin: germline. Affected: yes.
Comment: In silico analysis supports that this missense variant has a deleterious effect on protein structure/function; Has not been previously published as pathogenic or benign to our knowledge; This variant is associated with the following publications: (PMID: 26125038, 21820098, 21376300)

Labcorp Genetics (formerly Invitae), Labcorp
Classification: Likely pathogenic for Hereditary spastic paraplegia 30; Neuropathy, hereditary sensory, type 2C; Intellectual disability, autosomal dominant 9. Last evaluated: 2024-03-07. Review status: criteria provided, single submitter. Criteria: Invitae Variant Classification Sherloc (09022015). Collection method: clinical testing. Allele origin: germline.
Comment: This sequence change replaces arginine, which is basic and polar, with glutamine, which is neutral and polar, at codon 350 of the KIF1A protein (p.Arg350Gln). This variant is present in population databases (no rsID available, gnomAD 0.0009%). This variant has not been reported in the literature in individuals affected with KIF1A-related conditions. ClinVar contains an entry for this variant (Variation ID: 2574479). Advanced modeling of protein sequence and biophysical properties (such as structural, functional, and spatial information, amino acid conservation, physicochemical variation, residue mobility, and thermodynamic stability) performed at Invitae indicates that this missense variant is expected to disrupt KIF1A protein function with a positive predictive value of 95%. This variant disrupts the p.Arg350 amino acid residue in KIF1A. Other variant(s) that disrupt this residue have been determined to be pathogenic (PMID: 22258533, 30564185). This suggests that this residue is clinically significant, and that variants that disrupt this residue are likely to be disease-causing. In summary, the currently available evidence indicates that the variant is pathogenic, but additional data are needed to prove that conclusively. Therefore, this variant has been classified as Likely Pathogenic.

Literature cited by the submitters: PubMed 22258533 (cited by Labcorp Genetics (formerly Invitae), Labcorp); PubMed 30564185 (cited by Labcorp Genetics (formerly Invitae), Labcorp).